The following is an entry in ClinVar:

NM_000322.5(PRPH2):c.469G>A (p.Asp157Asn)

Gene: PRPH2 (peripherin 2; minus strand). Cytogenetic location: 6p21.1.
Variant type: single nucleotide variant.
Coding change: c.469G>A on transcript NM_000322.5 (MANE Select); coding-DNA position 469, G replaced by A.
Protein change: p.Asp157Asn; replaces aspartic acid 157 with asparagine.
Molecular consequence: missense variant.
Genome position (GRCh38, 1-based): chr6:42,721,866, C>T on the plus strand (G>A on the coding strand, the complement: PRPH2 is on the minus strand). VCF-style: chr6-42721866-C-T. GRCh37 (hg19) VCF-style: chr6-42689604-C-T.
Other names: short protein forms D157N.
Identifiers: ClinVar variation 98671 (VCV000098671.18), dbSNP rs61755787, ClinGen allele CA226238.

ClinVar aggregate classification (germline): Pathogenic/Likely pathogenic. Review status: criteria provided, multiple submitters, no conflicts (2 of 4 stars). 9 submissions from 7 submitters: Pathogenic (2); Likely pathogenic (5). 2 of the submissions do not count toward it. Last evaluated 2025-10-03.

Conditions:
PRPH2-related disorder. Also called: PRPH2-related disorders; PRPH2-related condition. Identifiers: MedGen CN239395.
Pigmentary retinopathy. Also called: Rarefaction of retinal pigmentation; Pigmentary retinal deposits. Identifiers: MedGen C4551715, HP:0000580.
Macular degeneration. Also called: Degenerative disorder of macula. Identifiers: MedGen C0024437, MONDO:0003004, HP:0000608.
Abnormal retinal pigmentation. Identifiers: MedGen C1862475, HP:0007703.
Blurred vision. Identifiers: MedGen C0344232, HP:0000622.
Retinitis pigmentosa (RP). Identifiers: Orphanet 791, MedGen C0035334, MeSH D012174, MONDO:0019200, OMIM 268000. Inheritance: Autosomal dominant, autosomal recessive and X linked inheritance.
Retinal dystrophy. Also called: Inherited retinal dystrophy. Identifiers: Orphanet 71862, MedGen C0854723, MeSH D058499, MONDO:0019118, HP:0000556.
Pigmentary retinal dystrophy. Also called: Fundus albipunctatus. Identifiers: Orphanet 227796, Orphanet 52427, MedGen C0311338, MONDO:0007639, OMIM 136880, HP:0030642.
Stargardt disease (FFM). Also called: Stargardt's disease; Fundus flavimaculatus. Identifiers: Orphanet 827, MedGen C0271093, MONDO:0019353.

Submissions (9):

Labcorp Genetics (formerly Invitae), Labcorp
Classification: Pathogenic for PRPH2-related disorder. Last evaluated: 2025-10-03. Review status: criteria provided, single submitter. Criteria: Invitae Variant Classification Sherloc (09022015). Collection method: clinical testing. Allele origin: germline.
Comment: This sequence change replaces aspartic acid, which is acidic and polar, with asparagine, which is neutral and polar, at codon 157 of the PRPH2 protein (p.Asp157Asn). This variant is not present in population databases (gnomAD no frequency). This missense change has been observed in individuals with autosomal dominant retinal disease (PMID: 8994365, 17504850, 32531846; internal data). ClinVar contains an entry for this variant (Variation ID: 98671). Invitae Evidence Modeling of protein sequence and biophysical properties (such as structural, functional, and spatial information, amino acid conservation, physicochemical variation, residue mobility, and thermodynamic stability) indicates that this missense variant is expected to disrupt PRPH2 protein function with a positive predictive value of 95%. For these reasons, this variant has been classified as Pathogenic.

Blueprint Genetics
Classification: Pathogenic for PRPH2-related disorders. Last evaluated: 2024-06-18. Review status: criteria provided, single submitter. Criteria: ACMG Guidelines, 2015. Collection method: clinical testing. Allele origin: germline. Affected: yes. Observed: 5 variant alleles.

Institute of Human Genetics, Univ. Regensburg, Univ. Regensburg
Classification: Likely pathogenic for Retinal dystrophy. Last evaluated: 2022-01-01. Review status: criteria provided, single submitter. Criteria: ACMG Guidelines, 2015. Collection method: clinical testing. Allele origin: germline. Affected: yes.

NEI Ophthalmic Genomics Laboratory, National Institutes of Health
Classification: Likely pathogenic for Stargardt disease. Last evaluated: 2020-01-07. Review status: criteria provided, single submitter. Criteria: ACMG Guidelines, 2015. Collection method: clinical testing. Allele origin: germline. Affected: yes.
Comment: The variant NM_000322.4:c.469G>A in the PRPH2 gene has been previously studied(PMID 7875944). We found this variant in 2 patient(s) in a PRPH2 cohort study (Reeves et al. 2020). This variant is listed in dbSNP and/or HGMD (rs61755787,CM951117). It is absent in gnomAD browser. It is enriched in the PRPH2 disease cohort. We invoked ACMG criteria [PS4, PM1, PM2, PP3] and classified NM_000322.4:c.469G>A in the PRPH2 gene as a Likely Pathogenic mutation.

NEI Ophthalmic Genomics Laboratory, National Institutes of Health
Classification: Likely pathogenic for Retinitis pigmentosa. Last evaluated: 2020-01-07. Review status: criteria provided, single submitter. Criteria: ACMG Guidelines, 2015. Collection method: clinical testing. Allele origin: germline. Affected: yes.
Comment: the same text as in the submission from NEI Ophthalmic Genomics Laboratory, National Institutes of Health above.

Centre for Mendelian Genomics, University Medical Centre Ljubljana
Classification: Likely pathogenic for Abnormal retinal pigmentation; Blurred vision; Macular degeneration; Pigmentary retinopathy. Last evaluated: 2017-01-01. Review status: criteria provided, single submitter. Criteria: ACMG Guidelines, 2015. Collection method: clinical testing. Allele origin: unknown. Affected: yes.

Centre for Mendelian Genomics, University Medical Centre Ljubljana
Classification: Likely pathogenic for Pigmentary retinal dystrophy. Last evaluated: 2016-01-01. Review status: criteria provided, single submitter. Criteria: ACMG Guidelines, 2015. Collection method: clinical testing. Allele origin: unknown. Affected: yes.
Comment: This variant was classified as: Likely pathogenic. The following ACMG criteria were applied in classifying this variant: PS1,PM2,PP3.

Leiden Open Variation Database
Classification: Likely pathogenic. Last evaluated: 2021-04-06. Review status: no assertion criteria provided. Collection method: curation. Allele origin: germline. Affected: yes. Not counted in ClinVar's aggregate classification.
Comment: Curator: Global Variome, with Curator vacancy. Submitter to LOVD: Manon Peeters. Comment: Variant observed de novo.

Retina International
No classification provided. Review status: no classification provided. Collection method: not provided. Allele origin: not provided. Not counted in ClinVar's aggregate classification.

Literature cited by the submitters: PubMed 8994365 (cited by Labcorp Genetics (formerly Invitae), Labcorp and Leiden Open Variation Database); PubMed 17504850 (cited by Labcorp Genetics (formerly Invitae), Labcorp and Leiden Open Variation Database); PubMed 32531846 (cited by 3 submitters); PubMed 34411390 (cited by Institute of Human Genetics, Univ. Regensburg, Univ. Regensburg).